The following is an entry in ClinVar:

NM_002819.5(PTBP1):c.144A>T (p.Lys48Asn)

Gene: PTBP1 (polypyrimidine tract binding protein 1; plus strand). Cytogenetic location: 19p13.3.
Variant type: single nucleotide variant.
Coding change: c.144A>T on transcript NM_002819.5 (MANE Select); coding-DNA position 144, A replaced by T.
Protein change: p.Lys48Asn; replaces lysine 48 with asparagine.
Molecular consequence: missense variant.
Genome position (GRCh38, 1-based): chr19:804,064, A>T. VCF-style: chr19-804064-A-T. GRCh37 (hg19) VCF-style: chr19-804064-A-T.
Other names: c.150A>T, p.Lys50Asn (NM_001411140.1); c.144A>T, p.Lys48Asn (NM_031990.4, NM_031991.4); short protein forms K48N, K50N.
Identifiers: ClinVar variation 4528353 (VCV004528353.1).

ClinVar aggregate classification (germline): Pathogenic (1 of 4 stars; one submission).

Conditions:
PTBP1-related neurodevelopmental disorder with skeletal dysplasia.

Submission:

Equipe Genetique des Anomalies du Developpement, Université de Bourgogne
Classification: Pathogenic for PTBP1-related neurodevelopmental disorder with skeletal dysplasia. Last evaluated: 2025-09-01. Review status: criteria provided, single submitter. Criteria: ACMG Guidelines, 2015. Collection method: research. Allele origin: de novo. Affected: yes.
Comment: The c.144A>T substitution is absent from gnomAD (v4.1.0) and results in a p.Lys48Asn missense variant within the second half of the bipartite nuclear localization signal. This variant causes abnormal cytoplasmic accumulation of the protein (PMID: 40965981).

Literature cited by the submitters: PubMed 40965981.